The following is an entry in ClinVar:

NM_006031.6(PCNT):c.7501C>T (p.Leu2501=)

Gene: PCNT (pericentrin; plus strand). Cytogenetic location: 21q22.3.
Variant type: single nucleotide variant.
Coding change: c.7501C>T on transcript NM_006031.6 (MANE Select); coding-DNA position 7501, C replaced by T.
Protein change: p.Leu2501=; no amino-acid change (leucine 2501 retained).
Molecular consequence: synonymous variant.
Genome position (GRCh38, 1-based): chr21:46,428,401, C>T. VCF-style: chr21-46428401-C-T. GRCh37 (hg19) VCF-style: chr21-47848315-C-T.
Other names: c.7147C>T, p.Leu2383= (NM_001315529.2).
Identifiers: ClinVar variation 4990323 (VCV004990323.1).
Genomic context (GRCh38, chr21:46,428,401, plus strand): 5'-GGGGCATGGGGTGGCTGCCCAATGCTCAGGCTGCTTGTCCCATTGTGCCCCCAGGGAGAC[C>T]TGCAGGAAAAGTCCCTGGAGCATCTTCGCTTGCCGGACCGGAGCAGCCTGCTGTCCGAGA-3'
Protein context (NP_006022.3, residues 2491-2511): LEKIIREQGD[Leu2501=]QEKSLEHLRL

ClinVar aggregate classification (germline): Likely benign (1 of 4 stars; one submission).

Conditions:
PCNT-related disorder. Also called: PCNT-related condition.

Submission:

PreventionGenetics, part of Exact Sciences
Classification: Likely benign for PCNT-related condition. Last evaluated: 2025-05-09. Review status: criteria provided, single submitter. Criteria: ACMG Guidelines, 2015. Collection method: clinical testing. Allele origin: germline.
Comment: This variant is classified as likely benign based on ACMG/AMP sequence variant interpretation guidelines (Richards et al. 2015 PMID: 25741868, with internal and published modifications).